The following is an entry in ClinVar:

NM_001243279.3(ACSF3):c.1444T>C (p.Tyr482His)

Gene: ACSF3 (acyl-CoA synthetase family member 3; plus strand). Cytogenetic location: 16q24.3.
Variant type: single nucleotide variant.
Coding change: c.1444T>C on transcript NM_001243279.3 (MANE Select); coding-DNA position 1444, T replaced by C.
Protein change: p.Tyr482His; replaces tyrosine 482 with histidine.
Molecular consequence: missense variant. On other transcripts: non-coding transcript variant (4).
Genome position (GRCh38, 1-based): chr16:89,145,344, T>C. VCF-style: chr16-89145344-T-C. GRCh37 (hg19) VCF-style: chr16-89211752-T-C.
Other names: c.1444T>C, p.Tyr482His (NM_001127214.4, NM_174917.5); c.649T>C, p.Tyr217His (NM_001284316.2); short protein forms Y482H, Y217H.
Identifiers: ClinVar variation 1029288 (VCV001029288.1), dbSNP rs776369896, ClinGen allele CA8238221.

ClinVar aggregate classification (germline): Uncertain significance (1 of 4 stars; one submission).

Conditions:
Combined malonic and methylmalonic acidemia. Identifiers: Orphanet 289504, MedGen C3280314, MONDO:0013661, OMIM 614265.

Allele frequency attached by ClinVar (database versions not stated): gnomAD exomes below 0.00001; TOPMed below 0.00001; ExAC 0.00001; gnomAD 0.00001.
gnomAD v4.1: 4 of 1,614,088 alleles (0.00025%); highest among the groups gnomAD compares: Non-Finnish European, 0.00034%; no homozygotes.

Submission:

Baylor Genetics
Classification: Uncertain significance for Combined malonic and methylmalonic acidemia. Last evaluated: 2019-02-01. Review status: criteria provided, single submitter. Criteria: ACMG Guidelines, 2015. Collection method: clinical testing. Allele origin: unknown. Affected: yes.
Comment: This variant was determined to be of uncertain significance according to ACMG Guidelines, 2015 [PMID:25741868].